The following is an entry in ClinVar:

NM_004035.7(ACOX1):c.73G>A (p.Gly25Ser)

Gene: ACOX1 (acyl-CoA oxidase 1; minus strand). Cytogenetic location: 17q25.1.
Variant type: single nucleotide variant.
Coding change: c.73G>A on transcript NM_004035.7 (MANE Select); coding-DNA position 73, G replaced by A.
Protein change: p.Gly25Ser; replaces glycine 25 with serine.
Molecular consequence: missense variant. On other transcripts: 5 prime UTR variant (1).
Genome position (GRCh38, 1-based): chr17:75,979,001, C>T on the plus strand (G>A on the coding strand, the complement: ACOX1 is on the minus strand). VCF-style: chr17-75979001-C-T. GRCh37 (hg19) VCF-style: chr17-73975082-C-T.
Other names: c.-216G>A (NM_001185039.2); c.73G>A, p.Gly25Ser (NM_007292.6); short protein forms G25S.
Identifiers: ClinVar variation 2802125 (VCV002802125.3), dbSNP rs537854960, ClinGen allele CA294125853.
Genomic context (GRCh38, chr17:75,979,001, plus strand): 5'-GGAGGTCTCGCCCGCCGCCCTCACCGATCTCTCGGCGGCGCCGGGTTTTCTCGGGGCTGC[C>T]GTCCAGGATGTGTGTAAGCAGCTCCGGGTTGAAGCTGGCGGAATCCCGCTCCCTGCGCAG-3'
Protein context (NP_004026.2, residues 15-35): NPELLTHILD[Gly25Ser]SPEKTRRRRE

ClinVar aggregate classification (germline): Uncertain significance (1 of 4 stars; one submission).

Conditions:
Acyl-CoA oxidase deficiency. Also called: Pseudoneonatal adrenoleukodystrophy; STRAIGHT-CHAIN ACYL-CoA OXIDASE DEFICIENCY; Peroxisomal acyl-CoA oxidase deficiency. Identifiers: Orphanet 2971, MedGen C1849678, MONDO:0009919, OMIM 264470. Disease mechanism: loss of function.

Allele frequency attached by ClinVar (database versions not stated): gnomAD 0.00001; 1000 Genomes Project 30x 0.00016; 1000 Genomes Project 0.00020.
gnomAD v4.1: 11 of 1,611,734 alleles (0.00068%); highest among the groups gnomAD compares: East Asian, 0.025%; no homozygotes.

Submission:

Labcorp Genetics (formerly Invitae), Labcorp
Classification: Uncertain significance for Acyl-CoA oxidase deficiency. Last evaluated: 2023-10-22. Review status: criteria provided, single submitter. Criteria: Invitae Variant Classification Sherloc (09022015). Collection method: clinical testing. Allele origin: germline.
Comment: This sequence change replaces glycine, which is neutral and non-polar, with serine, which is neutral and polar, at codon 25 of the ACOX1 protein (p.Gly25Ser). This variant is not present in population databases (gnomAD no frequency). This variant has not been reported in the literature in individuals affected with ACOX1-related conditions. Advanced modeling of protein sequence and biophysical properties (such as structural, functional, and spatial information, amino acid conservation, physicochemical variation, residue mobility, and thermodynamic stability) performed at Invitae indicates that this missense variant is not expected to disrupt ACOX1 protein function. In summary, the available evidence is currently insufficient to determine the role of this variant in disease. Therefore, it has been classified as a Variant of Uncertain Significance.